The following is an entry in ClinVar:

NM_000541.5(SAG):c.17A>G (p.Lys6Arg)

Gene: SAG (S-antigen visual arrestin; plus strand). Cytogenetic location: 2q37.1.
Variant type: single nucleotide variant.
Coding change: c.17A>G on transcript NM_000541.5 (MANE Select); coding-DNA position 17, A replaced by G.
Protein change: p.Lys6Arg; replaces lysine 6 with arginine.
Molecular consequence: missense variant.
Genome position (GRCh38, 1-based): chr2:233,309,206, A>G. VCF-style: chr2-233309206-A-G. GRCh37 (hg19) VCF-style: chr2-234217852-A-G.
Other names: short protein forms K6R.
Identifiers: ClinVar variation 1017595 (VCV001017595.6), dbSNP rs772312202, ClinGen allele CA2174174.

ClinVar aggregate classification (germline): Uncertain significance (1 of 4 stars; one submission).

Allele frequency attached by ClinVar (database versions not stated): gnomAD exomes 0.00001; ExAC 0.00002; gnomAD 0.00004; TOPMed 0.00006.
gnomAD v4.1: 14 of 1,613,700 alleles (0.00087%); highest among the groups gnomAD compares: African/African-American, 0.017%; no homozygotes.

Submission:

Labcorp Genetics (formerly Invitae), Labcorp
Classification: Uncertain significance. Last evaluated: 2023-07-12. Review status: criteria provided, single submitter. Criteria: Invitae Variant Classification Sherloc (09022015). Collection method: clinical testing. Allele origin: germline.
Comment: This sequence change replaces lysine, which is basic and polar, with arginine, which is basic and polar, at codon 6 of the SAG protein (p.Lys6Arg). This variant is present in population databases (rs772312202, gnomAD 0.02%). This variant has not been reported in the literature in individuals affected with SAG-related conditions. ClinVar contains an entry for this variant (Variation ID: 1017595). Algorithms developed to predict the effect of missense changes on protein structure and function output the following: SIFT: "Not Available"; PolyPhen-2: "Benign"; Align-GVGD: "Not Available". The arginine amino acid residue is found in multiple mammalian species, which suggests that this missense change does not adversely affect protein function. In summary, the available evidence is currently insufficient to determine the role of this variant in disease. Therefore, it has been classified as a Variant of Uncertain Significance.